The following is an entry in ClinVar:

NM_013319.3(UBIAD1):c.191C>T (p.Pro64Leu)

Gene: UBIAD1 (UbiA prenyltransferase domain containing 1; plus strand). Cytogenetic location: 1p36.22.
Variant type: single nucleotide variant.
Coding change: c.191C>T on transcript NM_013319.3 (MANE Select); coding-DNA position 191, C replaced by T.
Protein change: p.Pro64Leu; replaces proline 64 with leucine.
Molecular consequence: missense variant.
Genome position (GRCh38, 1-based): chr1:11,273,722, C>T. VCF-style: chr1-11273722-C-T. GRCh37 (hg19) VCF-style: chr1-11333779-C-T.
Other names: c.191C>T, p.Pro64Leu (NM_001330349.2, NM_001330350.2); short protein forms P64L.
Identifiers: ClinVar variation 874962 (VCV000874962.5), dbSNP rs1651875842, ClinGen allele CA338690991.

ClinVar aggregate classification (germline): Uncertain significance. Review status: criteria provided, multiple submitters, no conflicts (2 of 4 stars). 2 submissions from 2 submitters: Uncertain significance (2). Last evaluated 2024-09-09.

Conditions:
Schnyder crystalline corneal dystrophy (SCCD). Also called: Crystalline corneal dystrophy; Schnyder corneal dystrophy. Identifiers: Orphanet 98967, MedGen C0271287, MONDO:0007374, OMIM 121800.

Submissions (2):

Ambry Genetics
Classification: Uncertain significance. Last evaluated: 2024-09-09. Review status: criteria provided, single submitter. Criteria: Ambry Variant Classification Scheme 2023. Collection method: clinical testing. Allele origin: germline.

Illumina Laboratory Services, Illumina
Classification: Uncertain significance for Schnyder crystalline corneal dystrophy. Last evaluated: 2017-04-27. Review status: criteria provided, single submitter. Criteria: ICSL Variant Classification Criteria 13 December 2019. Collection method: clinical testing. Allele origin: germline.
Comment: This variant was observed as part of a predisposition screen in an ostensibly healthy population. A literature search was performed for the gene, cDNA change, and amino acid change (where applicable). Publications were found based on this search. However, the evidence from the literature, in combination with allele frequency data from public databases where available, was not sufficient to rule this variant in or out of causing disease. Therefore, this variant is classified as a variant of unknown significance.

Literature cited by the submitters: PubMed 20505825 (cited by Illumina Laboratory Services, Illumina).